The following is an entry in ClinVar:

NM_004924.6(ACTN4):c.2275G>A (p.Ala759Thr)

Gene: ACTN4 (actinin alpha 4; plus strand). Cytogenetic location: 19q13.2.
Variant type: single nucleotide variant.
Coding change: c.2275G>A on transcript NM_004924.6 (MANE Select); coding-DNA position 2275, G replaced by A.
Protein change: p.Ala759Thr; replaces alanine 759 with threonine.
Molecular consequence: missense variant.
Genome position (GRCh38, 1-based): chr19:38,727,041, G>A. VCF-style: chr19-38727041-G-A. GRCh37 (hg19) VCF-style: chr19-39217681-G-A.
Other names: c.2275G>A, p.Ala759Thr (NM_001322033.2, NM_001411143.1); short protein forms A759T.
Identifiers: ClinVar variation 3583832 (VCV003583832.3).
Genomic context (GRCh38, chr19:38,727,041, plus strand): 5'-CTGCTCACCACCATTGCCCGCACCATCAACGAGGTGGAGAACCAGATCCTCACCCGCGAC[G>A]CCAAGGGCATCAGCCAGGAGCAGATGCAGGAGTTCCGGGCGTCCTTCAACCACTTCGACA-3'
Protein context (NP_004915.2, residues 749-769): EVENQILTRD[Ala759Thr]KGISQEQMQE

ClinVar aggregate classification (germline): Uncertain significance. Review status: criteria provided, multiple submitters, no conflicts (2 of 4 stars). 2 submissions from 2 submitters: Uncertain significance (2). Last evaluated 2024-06-28.

Conditions:
Focal segmental glomerulosclerosis 1 (FSGS1). Identifiers: Orphanet 656, MedGen C4551527, MONDO:0011303, OMIM 603278.

gnomAD v4.1: 11 of 1,614,028 alleles (0.00068%); highest among the groups gnomAD compares: South Asian, 0.0088%; no homozygotes.

Submissions (2):

Labcorp Genetics (formerly Invitae), Labcorp
Classification: Uncertain significance. Last evaluated: 2024-06-28. Review status: criteria provided, single submitter. Criteria: Invitae Variant Classification Sherloc (09022015). Collection method: clinical testing. Allele origin: germline.
Comment: This sequence change replaces alanine, which is neutral and non-polar, with threonine, which is neutral and polar, at codon 759 of the ACTN4 protein (p.Ala759Thr). This variant is present in population databases (rs774937453, gnomAD 0.006%). This variant has not been reported in the literature in individuals affected with ACTN4-related conditions. An algorithm developed to predict the effect of missense changes on protein structure and function (PolyPhen-2) suggests that this variant is likely to be disruptive. In summary, the available evidence is currently insufficient to determine the role of this variant in disease. Therefore, it has been classified as a Variant of Uncertain Significance.

Fulgent Genetics
Classification: Uncertain significance for Focal segmental glomerulosclerosis 1. Last evaluated: 2024-06-17. Review status: criteria provided, single submitter. Criteria: ACMG Guidelines, 2015. Collection method: clinical testing. Allele origin: germline.